The following is an entry in ClinVar:

ClinVar aggregate classification (germline): Benign (1 of 4 stars; one submission).

Conditions:
Tuberous sclerosis 2 (TSC2). Identifiers: Orphanet 805, MedGen C1860707, MONDO:0013199, OMIM 613254.

Submission:

Myriad Genetics, Inc.
Classification: Benign for Tuberous sclerosis 2. Last evaluated: 2025-06-02. Review status: criteria provided, single submitter. Criteria: Myriad Autosomal Dominant, Autosomal Recessive and X-Linked Classification Criteria (2023). Collection method: clinical testing. Allele origin: unknown.
Comment: This variant is considered benign. This variant is a silent/synonymous amino acid change and it is not expected to impact splicing.

NM_000548.5(TSC2):c.3888C>A (p.Ser1296=)

Gene: TSC2 (TSC complex subunit 2; plus strand). Cytogenetic location: 16p13.3.
Variant type: single nucleotide variant.
Coding change: c.3888C>A on transcript NM_000548.5 (MANE Select); coding-DNA position 3888, C replaced by A.
Protein change: p.Ser1296=; no amino-acid change (serine 1296 retained).
Molecular consequence: synonymous variant. On other transcripts: non-coding transcript variant (5).
Genome position (GRCh38, 1-based): chr16:2,083,699, C>A. VCF-style: chr16-2083699-C-A. GRCh37 (hg19) VCF-style: chr16-2133700-C-A.
Other names: c.3819C>A, p.Ser1273= (NM_001114382.3); c.3579C>A, p.Ser1193= (NM_001318827.2); c.3543C>A, p.Ser1181= (NM_001318829.2); c.3156C>A, p.Ser1052= (NM_001318831.2); c.3720C>A, p.Ser1240= (NM_001318832.2); c.3690C>A, p.Ser1230= (NM_001363528.2); c.3756C>A, p.Ser1252= (NM_001370404.1); c.3759C>A, p.Ser1253= (NM_001370405.1, NM_021055.3); and 26 more.
Identifiers: ClinVar variation 4071233 (VCV004071233.1).